The following is an entry in ClinVar:

NM_001170629.2(CHD8):c.2655C>T (p.Asn885=)

Gene: CHD8 (chromodomain helicase DNA binding protein 8; minus strand). Cytogenetic location: 14q11.2.
Variant type: single nucleotide variant.
Coding change: c.2655C>T on transcript NM_001170629.2 (MANE Select); coding-DNA position 2655, C replaced by T.
Protein change: p.Asn885=; no amino-acid change (asparagine 885 retained).
Molecular consequence: synonymous variant.
Genome position (GRCh38, 1-based): chr14:21,408,387, G>A on the plus strand (C>T on the coding strand, the complement: CHD8 is on the minus strand). VCF-style: chr14-21408387-G-A. GRCh37 (hg19) VCF-style: chr14-21876546-G-A.
Other names: c.1818C>T, p.Asn606= (NM_020920.4).
Identifiers: ClinVar variation 1193724 (VCV001193724.11), dbSNP rs371541713, ClinGen allele CA7091526.

ClinVar aggregate classification (germline): Likely benign. Review status: criteria provided, multiple submitters, no conflicts (2 of 4 stars). 3 submissions from 3 submitters: Likely benign (3). Last evaluated 2026-09-01.

Allele frequency attached by ClinVar (database versions not stated): TOPMed 0.00001; ExAC 0.00002; gnomAD exomes 0.00002 and 0.00006; gnomAD 0.00003; ESP Exome Variant Server 0.00008; 1000 Genomes Project 0.00020; 1000 Genomes Project 30x 0.00031.
gnomAD v4.1: 94 of 1,613,892 alleles (0.0058%); highest among the groups gnomAD compares: Middle Eastern, 0.033%; no homozygotes.

Submissions (3):

CeGaT Center for Human Genetics Tuebingen
Classification: Likely benign. Last evaluated: 2026-09-01. Review status: criteria provided, single submitter. Criteria: CeGaT Center For Human Genetics Tuebingen Variant Classification Criteria Version 2. Collection method: clinical testing. Allele origin: germline. Affected: yes. Observed: 1 variant allele.
Comment: CHD8: BP4, BP7

Labcorp Genetics (formerly Invitae), Labcorp
Classification: Likely benign. Last evaluated: 2024-05-06. Review status: criteria provided, single submitter. Criteria: Invitae Variant Classification Sherloc (09022015). Collection method: clinical testing. Allele origin: germline.

GeneDx
Classification: Likely benign. Last evaluated: 2020-01-13. Review status: criteria provided, single submitter. Criteria: GeneDx Variant Classification Process June 2021. Collection method: clinical testing. Allele origin: germline. Affected: yes.